The following is an entry in ClinVar:

ClinVar aggregate classification (germline): Uncertain significance (1 of 4 stars; one submission).

Allele frequency attached by ClinVar (database versions not stated): gnomAD exomes below 0.00001 and 0.00001; gnomAD 0.00001; TOPMed 0.00001; ExAC 0.00002.
gnomAD v4.1: 7 of 1,614,070 alleles (0.00043%); highest among the groups gnomAD compares: African/African-American, 0.0013%; no homozygotes.

Submission:

Labcorp Genetics (formerly Invitae), Labcorp
Classification: Uncertain significance. Last evaluated: 2025-02-23. Review status: criteria provided, single submitter. Criteria: Invitae Variant Classification Sherloc (09022015). Collection method: clinical testing. Allele origin: germline.
Comment: This sequence change replaces tryptophan, which is neutral and slightly polar, with arginine, which is basic and polar, at codon 661 of the A2ML1 protein (p.Trp661Arg). This variant is present in population databases (rs777431100, gnomAD 0.007%). This variant has not been reported in the literature in individuals affected with A2ML1-related conditions. ClinVar contains an entry for this variant (Variation ID: 1522300). An algorithm developed to predict the effect of missense changes on protein structure and function (PolyPhen-2) suggests that this variant is likely to be tolerated. In summary, the available evidence is currently insufficient to determine the role of this variant in disease. Therefore, it has been classified as a Variant of Uncertain Significance.

NM_144670.6(A2ML1):c.1981T>C (p.Trp661Arg)

Gene: A2ML1 (alpha-2-macroglobulin like 1; plus strand). Cytogenetic location: 12p13.31.
Variant type: single nucleotide variant.
Coding change: c.1981T>C on transcript NM_144670.6 (MANE Select); coding-DNA position 1981, T replaced by C.
Protein change: p.Trp661Arg; replaces tryptophan 661 with arginine.
Molecular consequence: missense variant.
Genome position (GRCh38, 1-based): chr12:8,848,867, T>C. VCF-style: chr12-8848867-T-C. GRCh37 (hg19) VCF-style: chr12-9001463-T-C.
Other names: c.508T>C, p.Trp170Arg (NM_001282424.3); short protein forms W170R, W661R.
Identifiers: ClinVar variation 1522300 (VCV001522300.8), dbSNP rs777431100, ClinGen allele CA6435856.